The following is an entry in ClinVar:

NM_001370259.2(MEN1):c.990C>G (p.Arg330=)

Gene: MEN1 (menin 1; minus strand). Cytogenetic location: 11q13.1.
Variant type: single nucleotide variant.
Coding change: c.990C>G on transcript NM_001370259.2 (MANE Select); coding-DNA position 990, C replaced by G.
Protein change: p.Arg330=; no amino-acid change (arginine 330 retained).
Molecular consequence: synonymous variant. On other transcripts: non-coding transcript variant (4).
Genome position (GRCh38, 1-based): chr11:64,806,291, G>C on the plus strand (C>G on the coding strand, the complement: MEN1 is on the minus strand). VCF-style: chr11-64806291-G-C. GRCh37 (hg19) VCF-style: chr11-64573763-G-C.
Other names: c.1005C>G, p.Arg335= (NM_000244.4, NM_001407145.1, NM_001407150.1 and 5 more transcripts); c.990C>G, p.Arg330= (NM_001370251.2, NM_001370260.2, NM_001370261.2 and 7 more transcripts); c.885C>G, p.Arg295= (NM_001370262.2, NM_001370263.2, NM_001407148.1 and 2 more transcripts).
Identifiers: ClinVar variation 1768571 (VCV001768571.6), dbSNP rs1359880787, ClinGen allele CA474983297.

ClinVar aggregate classification (germline): Benign/Likely benign. Review status: criteria provided, multiple submitters, no conflicts (2 of 4 stars). 3 submissions from 3 submitters: Benign (1); Likely benign (2). Last evaluated 2026-01-18.

Conditions:
Multiple endocrine neoplasia, type 1 (MEN1). Also called: MEN I; WERMER SYNDROME; Endocrine adenomatosis multiple; MEN 1; MEA I. Identifiers: Orphanet 652, MedGen C0025267, MeSH D018761, MONDO:0007540, OMIM 131100.
Hereditary cancer-predisposing syndrome. Also called: Tumor predisposition; Neoplastic Syndromes, Hereditary; Hereditary Cancer Syndrome; Hereditary neoplastic syndrome. Identifiers: Orphanet 140162, MedGen C0027672, MeSH D009386, MONDO:0015356.

gnomAD v4.1: 1 of 1,614,220 alleles (0.000062%); highest among the groups gnomAD compares: Non-Finnish European, 0.000085%; no homozygotes.

Submissions (3):

Labcorp Genetics (formerly Invitae), Labcorp
Classification: Likely benign for Multiple endocrine neoplasia, type 1. Last evaluated: 2026-01-18. Review status: criteria provided, single submitter. Criteria: Invitae Variant Classification Sherloc (09022015). Collection method: clinical testing. Allele origin: germline.

Myriad Genetics, Inc.
Classification: Benign for Multiple endocrine neoplasia, type 1. Last evaluated: 2024-11-04. Review status: criteria provided, single submitter. Criteria: Myriad Autosomal Dominant, Autosomal Recessive and X-Linked Classification Criteria (2023). Collection method: clinical testing. Allele origin: unknown.
Comment: This variant is considered benign. This variant is a silent/synonymous amino acid change and it is not expected to impact splicing.

Ambry Genetics
Classification: Likely benign for Hereditary cancer-predisposing syndrome. Last evaluated: 2021-06-23. Review status: criteria provided, single submitter. Criteria: Ambry Variant Classification Scheme 2023. Collection method: clinical testing. Allele origin: germline.